The following is an entry in ClinVar:

NM_000038.6(APC):c.6907G>A (p.Gly2303Arg)

Gene: APC (APC regulator of Wnt signaling pathway; plus strand). Cytogenetic location: 5q22.2.
Variant type: single nucleotide variant.
Coding change: c.6907G>A on transcript NM_000038.6 (MANE Select); coding-DNA position 6907, G replaced by A.
Protein change: p.Gly2303Arg; replaces glycine 2303 with arginine.
Molecular consequence: missense variant.
Genome position (GRCh38, 1-based): chr5:112,842,501, G>A. VCF-style: chr5-112842501-G-A. GRCh37 (hg19) VCF-style: chr5-112178198-G-A.
Other names: c.6907G>A, p.Gly2303Arg (NM_001127510.3, NM_001354895.2); c.6853G>A, p.Gly2285Arg (NM_001127511.3); c.6961G>A, p.Gly2321Arg (NM_001354896.2); c.6937G>A, p.Gly2313Arg (NM_001354897.2); c.6832G>A, p.Gly2278Arg (NM_001354898.2); c.6823G>A, p.Gly2275Arg (NM_001354899.2); c.6784G>A, p.Gly2262Arg (NM_001354900.2); c.6730G>A, p.Gly2244Arg (NM_001354901.2); and 5 more; short protein forms G2285R, G2303R, G2020R, G2177R, G2202R, G2212R, G2313R, G2143R.
Identifiers: ClinVar variation 133533 (VCV000133533.39), dbSNP rs544549596, ClinGen allele CA012645.

ClinVar aggregate classification (germline): Conflicting classifications of pathogenicity. Review status: criteria provided, conflicting classifications (1 of 4 stars). 17 submissions from 17 submitters: Uncertain significance (1); Benign (4); Likely benign (9). 3 of the submissions do not count toward it. Last evaluated 2026-02-06.

Conditions:
APC-related disorder. Also called: APC-related condition.
Classic or attenuated familial adenomatous polyposis. Identifiers: MedGen CN372698, MONDO:0021057.
Hereditary cancer-predisposing syndrome. Also called: Neoplastic Syndromes, Hereditary; Tumor predisposition; Hereditary Cancer Syndrome; Hereditary neoplastic syndrome. Identifiers: Orphanet 140162, MedGen C0027672, MeSH D009386, MONDO:0015356.
Familial adenomatous polyposis 1 (FAP1). Also called: FAMILIAL ADENOMATOUS POLYPOSIS 1, ATTENUATED; POLYPOSIS, ADENOMATOUS INTESTINAL. Identifiers: MedGen C2713442, MONDO:0021056, OMIM 175100. Disease mechanism: loss of function.

Allele frequency attached by ClinVar (database versions not stated): gnomAD below 0.00001 and 0.00005; TOPMed 0.00001; gnomAD exomes 0.00017 and 0.00033; 1000 Genomes Project 30x 0.00031; ExAC 0.00034; 1000 Genomes Project 0.00040.
gnomAD v4.1: 254 of 1,613,908 alleles (0.016%); highest among the groups gnomAD compares: South Asian, 0.27%; 3 homozygotes.

Submissions (17):

Women's Health and Genetics/Laboratory Corporation of America, LabCorp
Classification: Likely benign. Last evaluated: 2026-02-06. Review status: criteria provided, single submitter. Criteria: LabCorp Variant Classification Summary - May 2015. Collection method: clinical testing. Allele origin: germline.

Labcorp Genetics (formerly Invitae), Labcorp
Classification: Benign for Familial adenomatous polyposis 1. Last evaluated: 2026-01-24. Review status: criteria provided, single submitter. Criteria: Invitae Variant Classification Sherloc (09022015). Collection method: clinical testing. Allele origin: germline.

Quest Diagnostics Nichols Institute San Juan Capistrano
Classification: Benign. Last evaluated: 2025-06-25. Review status: criteria provided, single submitter. Criteria: Quest Diagnostics criteria. Collection method: clinical testing. Allele origin: unknown.

Center for Genomic Medicine, Rigshospitalet, Copenhagen University Hospital
Classification: Benign. Last evaluated: 2025-03-04. Review status: criteria provided, single submitter. Criteria: ACMG Guidelines, 2015. Collection method: clinical testing. Allele origin: germline.

PreventionGenetics, part of Exact Sciences
Classification: Likely benign for APC-related condition. Last evaluated: 2024-12-17. Review status: criteria provided, single submitter. Criteria: ACMG Guidelines, 2015. Collection method: clinical testing. Allele origin: germline.
Comment: This variant is classified as likely benign based on ACMG/AMP sequence variant interpretation guidelines (Richards et al. 2015 PMID: 25741868, with internal and published modifications).

Molecular Diagnostics Laboratory, Catalan Institute of Oncology
Classification: Benign for Hereditary cancer-predisposing syndrome. Last evaluated: 2024-12-08. Review status: criteria provided, single submitter. Criteria: ClinGen ACMG Specifications APC V1.0.0. Collection method: clinical testing. Allele origin: germline.
Comment: BA1, BP1 c.6907G>A located in exon 16 of the APC gene, is predicted to result in the substitution of threonine by alanine at codon 1445, p.(Thr1445Ala)(BP1). This variant is found in 80/30518 at a filtering allele frequency of 0.22% in the gnomAD v2.1.1 database (South Asian non-cancer data set)(BA1). The SpliceAI algorithm predicts no significant impact on splicing. In addition, the variant was also identified in the ClinVar database (4x uncertain significance, 5x likely benign, 2x benign) but it has not been identified in the LOVD database. Based on currently available information, the variant c.6907G>A is classified as a benign variant according to ClinGen-APC Guidelines version v1.

Blueprint Genetics
Classification: Likely benign. Last evaluated: 2024-02-08. Review status: criteria provided, single submitter. Criteria: ACMG Guidelines, 2015. Collection method: clinical testing. Allele origin: germline.

All of Us Research Program, National Institutes of Health
Classification: Likely benign for Classic or attenuated familial adenomatous polyposis. Last evaluated: 2023-11-20. Review status: criteria provided, single submitter. Criteria: ACMG Guidelines, 2015. Collection method: clinical testing. Allele origin: germline. Inheritance: Autosomal dominant inheritance. Observed: 2 variant alleles, 2 heterozygotes.
Comment: This study involves interpretation of variants in research participants for the purpose of population health screening. Participant phenotype was not available at the time of variant classification. Additional details can be found in publication PMID: 35346344, PMCID: PMC8962531

Myriad Genetics, Inc.
Classification: Likely benign for Familial adenomatous polyposis 1. Last evaluated: 2023-02-21. Review status: criteria provided, single submitter. Criteria: Myriad Autosomal Dominant, Autosomal Recessive and X-Linked Classification Criteria (2023). Collection method: clinical testing. Allele origin: unknown.
Comment: This variant is considered likely benign. This variant has been observed at a population frequency that is significantly greater than expected given the associated disease prevalence and penetrance.

Sema4
Classification: Likely benign for Hereditary cancer-predisposing syndrome. Last evaluated: 2022-02-07. Review status: criteria provided, single submitter. Criteria: Sema4 Curation Guidelines. Collection method: curation. Allele origin: germline.

Institute for Clinical Genetics, University Hospital TU Dresden, University Hospital TU Dresden
Classification: Uncertain significance. Last evaluated: 2021-11-03. Review status: criteria provided, single submitter. Criteria: ACMG Guidelines, 2015. Collection method: clinical testing. Allele origin: germline.

GeneDx
Classification: Likely benign. Last evaluated: 2021-02-19. Review status: criteria provided, single submitter. Criteria: GeneDx Variant Classification Process June 2021. Collection method: clinical testing. Allele origin: germline. Affected: yes.
Comment: This variant is associated with the following publications: (PMID: 24728327)

Ambry Genetics
Classification: Likely benign for Hereditary cancer-predisposing syndrome. Last evaluated: 2018-09-14. Review status: criteria provided, single submitter. Criteria: Ambry Variant Classification Scheme 2023. Collection method: clinical testing. Allele origin: germline.

Color Diagnostics, LLC DBA Color Health
Classification: Likely benign for Hereditary cancer-predisposing syndrome. Last evaluated: 2018-04-18. Review status: criteria provided, single submitter. Criteria: ACMG Guidelines, 2015. Collection method: clinical testing. Allele origin: germline.

Counsyl
Classification: Uncertain significance for Familial adenomatous polyposis 1. Last evaluated: 2017-08-07. Review status: no assertion criteria provided. Collection method: clinical testing. Allele origin: unknown. Not counted in ClinVar's aggregate classification.

ITMI
No classification provided. Condition: AllHighlyPenetrant. Last evaluated: 2013-09-19. Review status: no classification provided. Collection method: reference population. Allele origin: germline. Not counted in ClinVar's aggregate classification.
Comment: Please see associated publication for description of ethnicities

Department of Pathology and Laboratory Medicine, Sinai Health System
Classification: Uncertain significance. Review status: no assertion criteria provided. Collection method: clinical testing. Allele origin: unknown. Affected: yes. Observed: 1 variant allele. Study: The Canadian Open Genetics Repository (COGR). Not counted in ClinVar's aggregate classification.
Comment: The APC p.Gly2303Arg variant was identified in 1 of 1362 proband chromosomes (frequency: 0.0007) from healthy individuals (Bodian 2014). The variant was also identified in the following databases: dbSNP (ID: rs544549596) as "With Uncertain significance allele", ClinVar (1x uncertain significance, 2x likely benign), Clinvitae, and Cosmic (2X, confirmed somatic, in carcinoma of the upper aerodigestive tract). The variant was not identified in MutDB, LOVD 3.0, UMD-LSDB, or the Zhejiang Colon Cancer Database. The variant was identified in control databases in 85 of 245790 chromosomes (1 homozygous) at a frequency of 0.0003 increasing the likelihood this could be a low frequency benign variant (Genome Aggregation Database Feb 27, 2017). Breakdown of the observations by population include South Asian in 85 of 30774 chromosomes (freq: 0.003), while the variant was not observed in the African, Other, Latino, European, Ashkenazi Jewish, East Asian, or Finnish populations. The p.Gly2303 residue is conserved across mammals and other organisms, and four out of five computational analyses (PolyPhen-2, SIFT, AlignGVGD, BLOSUM, MutationTaster) suggest that the Arginine variant may impact the protein; however, this information is not predictive enough to assume pathogenicity. The variant occurs outside of the splicing consensus sequence and in silico or computational prediction software programs (SpliceSiteFinder, MaxEntScan, NNSPLICE, GeneSplicer, HumanSpliceFinder) do not predict a difference in splicing. In summary, based on the above information the clinical significance of this variant cannot be determined with certainty at this time. This variant is classified as a variant of uncertain significance.

Literature cited by the submitters: PubMed 36243179 (cited by Quest Diagnostics Nichols Institute San Juan Capistrano); PubMed 24728327 (cited by ITMI).